The following is an entry in ClinVar:

NM_001458.5(FLNC):c.6490T>C (p.Trp2164Arg)

Genes: FLNC-AS1 (FLNC antisense RNA 1; minus strand), FLNC (filamin C; plus strand). Cytogenetic location: 7q32.1.
Variant type: single nucleotide variant.
Coding change: c.6490T>C on transcript NM_001458.5 (MANE Select); coding-DNA position 6490, T replaced by C.
Protein change: p.Trp2164Arg; replaces tryptophan 2164 with arginine.
Molecular consequence: missense variant.
Genome position (GRCh38, 1-based): chr7:128,853,979, T>C. VCF-style: chr7-128853979-T-C. GRCh37 (hg19) VCF-style: chr7-128494033-T-C.
Other names: c.6391T>C, p.Trp2131Arg (NM_001127487.2); short protein forms W2131R, W2164R.
Identifiers: ClinVar variation 857613 (VCV000857613.10), dbSNP rs1808936908, ClinGen allele CA369212669.

ClinVar aggregate classification (germline): Uncertain significance (1 of 4 stars; one submission).

Conditions:
Distal myopathy with posterior leg and anterior hand involvement. Also called: WILLIAMS DISTAL MYOPATHY. Identifiers: Orphanet 63273, MedGen C3279722, MONDO:0013550, OMIM 614065.
Hypertrophic cardiomyopathy 26. Also called: Cardiomyopathy, familial hypertrophic, 26. Identifiers: Orphanet 75249, MedGen C4310749, MONDO:0014883, OMIM 617047.
Myofibrillar myopathy 5. Also called: Filaminopathy (type); FILAMINOPATHY, AUTOSOMAL DOMINANT. Identifiers: Orphanet 171445, MedGen C1836050, MONDO:0012289, OMIM 609524.

Submission:

Labcorp Genetics (formerly Invitae), Labcorp
Classification: Uncertain significance for Distal myopathy with posterior leg and anterior hand involvement; Myofibrillar myopathy 5; Hypertrophic cardiomyopathy 26. Last evaluated: 2023-10-04. Review status: criteria provided, single submitter. Criteria: Invitae Variant Classification Sherloc (09022015). Collection method: clinical testing. Allele origin: germline.
Comment: This sequence change replaces tryptophan, which is neutral and slightly polar, with arginine, which is basic and polar, at codon 2164 of the FLNC protein (p.Trp2164Arg). This variant is not present in population databases (gnomAD no frequency). This variant has not been reported in the literature in individuals affected with FLNC-related conditions. ClinVar contains an entry for this variant (Variation ID: 857613). Advanced modeling of protein sequence and biophysical properties (such as structural, functional, and spatial information, amino acid conservation, physicochemical variation, residue mobility, and thermodynamic stability) has been performed at Invitae for this missense variant, however the output from this modeling did not meet the statistical confidence thresholds required to predict the impact of this variant on FLNC protein function. In summary, the available evidence is currently insufficient to determine the role of this variant in disease. Therefore, it has been classified as a Variant of Uncertain Significance.